The following is an entry in ClinVar:

NM_025137.4(SPG11):c.3616G>A (p.Gly1206Arg)

Gene: SPG11 (SPG11 vesicle trafficking associated, spatacsin; minus strand). Cytogenetic location: 15q21.1.
Variant type: single nucleotide variant.
Coding change: c.3616G>A on transcript NM_025137.4 (MANE Select); coding-DNA position 3616, G replaced by A.
Protein change: p.Gly1206Arg; replaces glycine 1206 with arginine.
Molecular consequence: missense variant.
Genome position (GRCh38, 1-based): chr15:44,600,537, C>T on the plus strand (G>A on the coding strand, the complement: SPG11 is on the minus strand). VCF-style: chr15-44600537-C-T. GRCh37 (hg19) VCF-style: chr15-44892735-C-T.
Other names: c.3616G>A (NM_025137.3); c.3616G>A, p.Gly1206Arg (NM_001160227.2); short protein forms G1206R.
Identifiers: ClinVar variation 1035637 (VCV001035637.6), dbSNP rs1291602088, ClinGen allele CA392231167.

ClinVar aggregate classification (germline): Uncertain significance. Review status: criteria provided, multiple submitters, no conflicts (2 of 4 stars). 3 submissions from 3 submitters: Uncertain significance (3). Last evaluated 2025-10-23.

Conditions:
Inborn genetic diseases. Identifiers: MedGen C0950123, MeSH D030342.
SPG11-related disorder. Also called: SPG11-related condition.
Hereditary spastic paraplegia 11. Also called: Nakamura Osame syndrome; Autosomal recessive hereditary spastic paraplegia, mental impairment, and thin corpus callosum; Spastic Paraplegia 11; Spastic paraplegia, mental retardation and thin corpus callosum; SPASTIC PARAPLEGIA, AUTOSOMAL RECESSIVE, COMPLICATED, WITH THIN CORPUS CALLOSUM; SPASTIC PARAPLEGIA, AUTOSOMAL RECESSIVE, WITH MENTAL IMPAIRMENT AND THIN CORPUS CALLOSUM. Identifiers: Orphanet 2822, MedGen C1858479, MONDO:0011445, OMIM 604360.

Allele frequency attached by ClinVar (database versions not stated): gnomAD exomes below 0.00001; TOPMed below 0.00001; gnomAD 0.00001.
gnomAD v4.1: 4 of 1,614,012 alleles (0.00025%); highest among the groups gnomAD compares: Admixed American, 0.005%; no homozygotes.

Submissions (3):

PreventionGenetics, part of Exact Sciences
Classification: Uncertain significance for SPG11-related condition. Last evaluated: 2025-10-23. Review status: criteria provided, single submitter. Criteria: ACMG Guidelines, 2015. Collection method: clinical testing. Allele origin: germline.
Comment: The SPG11 c.3616G>A variant is predicted to result in the amino acid substitution p.Gly1206Arg. To our knowledge, this variant has not been reported in the literature. This variant is reported in 0.0029% of alleles in individuals of Latino descent in gnomAD. At this time, the clinical significance of this variant is uncertain due to the absence of conclusive functional and genetic evidence.

Ambry Genetics
Classification: Uncertain significance for Inborn genetic diseases. Last evaluated: 2025-08-26. Review status: criteria provided, single submitter. Criteria: Ambry Variant Classification Scheme 2023. Collection method: clinical testing. Allele origin: germline.

Labcorp Genetics (formerly Invitae), Labcorp
Classification: Uncertain significance for Hereditary spastic paraplegia 11. Last evaluated: 2021-11-27. Review status: criteria provided, single submitter. Criteria: Invitae Variant Classification Sherloc (09022015). Collection method: clinical testing. Allele origin: germline.
Comment: This sequence change replaces glycine, which is neutral and non-polar, with arginine, which is basic and polar, at codon 1206 of the SPG11 protein (p.Gly1206Arg). This variant is present in population databases (no rsID available, gnomAD 0.003%). This variant has not been reported in the literature in individuals affected with SPG11-related conditions. ClinVar contains an entry for this variant (Variation ID: 1035637). Algorithms developed to predict the effect of missense changes on protein structure and function are either unavailable or do not agree on the potential impact of this missense change (SIFT: "Deleterious"; PolyPhen-2: "Probably Damaging"; Align-GVGD: "Class C0"). Algorithms developed to predict the effect of sequence changes on RNA splicing suggest that this variant may create or strengthen a splice site. In summary, the available evidence is currently insufficient to determine the role of this variant in disease. Therefore, it has been classified as a Variant of Uncertain Significance.